The following is an entry in ClinVar:

ClinVar aggregate classification (germline): Uncertain significance (1 of 4 stars; one submission).

Conditions:
Spastic paraplegia. Identifiers: MedGen C0037772, HP:0001258.

Submission:

Labcorp Genetics (formerly Invitae), Labcorp
Classification: Uncertain significance for Spastic paraplegia. Last evaluated: 2021-12-02. Review status: criteria provided, single submitter. Criteria: Invitae Variant Classification Sherloc (09022015). Collection method: clinical testing. Allele origin: germline.
Comment: This sequence change replaces serine, which is neutral and polar, with threonine, which is neutral and polar, at codon 2226 of the ZFYVE26 protein (p.Ser2226Thr). This variant is not present in population databases (gnomAD no frequency). This variant has not been reported in the literature in individuals affected with ZFYVE26-related conditions. Algorithms developed to predict the effect of missense changes on protein structure and function (SIFT, PolyPhen-2, Align-GVGD) all suggest that this variant is likely to be tolerated. In summary, the available evidence is currently insufficient to determine the role of this variant in disease. Therefore, it has been classified as a Variant of Uncertain Significance.

NM_015346.4(ZFYVE26):c.6676T>A (p.Ser2226Thr)

Gene: ZFYVE26 (zinc finger FYVE-type containing 26; minus strand). Cytogenetic location: 14q24.1.
Variant type: single nucleotide variant.
Coding change: c.6676T>A on transcript NM_015346.4 (MANE Select); coding-DNA position 6676, T replaced by A.
Protein change: p.Ser2226Thr; replaces serine 2226 with threonine.
Molecular consequence: missense variant.
Genome position (GRCh38, 1-based): chr14:67,756,058, A>T on the plus strand (T>A on the coding strand, the complement: ZFYVE26 is on the minus strand). VCF-style: chr14-67756058-A-T. GRCh37 (hg19) VCF-style: chr14-68222775-A-T.
Other names: short protein forms S2226T.
Identifiers: ClinVar variation 2025815 (VCV002025815.1), dbSNP rs2503944666, ClinGen allele CA390161698.